The following is an entry in ClinVar:

NM_001363711.2(DUOX2):c.2168A>C (p.Glu723Ala)

Gene: DUOX2 (dual oxidase 2; minus strand). Cytogenetic location: 15q21.1.
Variant type: single nucleotide variant.
Coding change: c.2168A>C on transcript NM_001363711.2 (MANE Select); coding-DNA position 2168, A replaced by C.
Protein change: p.Glu723Ala; replaces glutamic acid 723 with alanine.
Molecular consequence: missense variant.
Genome position (GRCh38, 1-based): chr15:45,105,809, T>G on the plus strand (A>C on the coding strand, the complement: DUOX2 is on the minus strand). VCF-style: chr15-45105809-T-G. GRCh37 (hg19) VCF-style: chr15-45398007-T-G.
Other names: c.2168A>C, p.Glu723Ala (NM_014080.5); short protein forms E723A.
Identifiers: ClinVar variation 3665478 (VCV003665478.2).

ClinVar aggregate classification (germline): Uncertain significance (1 of 4 stars; one submission).

Submission:

Labcorp Genetics (formerly Invitae), Labcorp
Classification: Uncertain significance. Last evaluated: 2024-12-24. Review status: criteria provided, single submitter. Criteria: Invitae Variant Classification Sherloc (09022015). Collection method: clinical testing. Allele origin: germline.
Comment: This sequence change replaces glutamic acid, which is acidic and polar, with alanine, which is neutral and non-polar, at codon 723 of the DUOX2 protein (p.Glu723Ala). This variant is not present in population databases (gnomAD no frequency). This variant has not been reported in the literature in individuals affected with DUOX2-related conditions. Invitae Evidence Modeling of protein sequence and biophysical properties (such as structural, functional, and spatial information, amino acid conservation, physicochemical variation, residue mobility, and thermodynamic stability) indicates that this missense variant is not expected to disrupt DUOX2 protein function with a negative predictive value of 80%. In summary, the available evidence is currently insufficient to determine the role of this variant in disease. Therefore, it has been classified as a Variant of Uncertain Significance.